The following is an entry in ClinVar:

ClinVar aggregate classification (germline): Uncertain significance (1 of 4 stars; one submission).

Conditions:
Cardiovascular phenotype. Identifiers: MedGen CN230736.
Hereditary cancer-predisposing syndrome. Also called: Neoplastic Syndromes, Hereditary; Hereditary Cancer Syndrome; Tumor predisposition; Hereditary neoplastic syndrome. Identifiers: Orphanet 140162, MedGen C0027672, MeSH D009386, MONDO:0015356.

Allele frequency attached by ClinVar (database versions not stated): gnomAD exomes below 0.00001; ExAC 0.00001.
gnomAD v4.1: 1 of 1,613,632 alleles (0.000062%); highest among the groups gnomAD compares: South Asian, 0.0011%; no homozygotes.

Submission:

Ambry Genetics
Classification: Uncertain significance for Cardiovascular phenotype; Hereditary cancer-predisposing syndrome. Last evaluated: 2023-01-21. Review status: criteria provided, single submitter. Criteria: Ambry Variant Classification Scheme 2023. Collection method: clinical testing. Allele origin: germline.
Comment: The p.M655I variant (also known as c.1965G>A), located in coding exon 17 of the LZTR1 gene, results from a G to A substitution at nucleotide position 1965. The methionine at codon 655 is replaced by isoleucine, an amino acid with highly similar properties. This amino acid position is conserved. In addition, this alteration is predicted to be tolerated by in silico analysis. Since supporting evidence is limited at this time, the clinical significance of this alteration remains unclear.

NM_006767.4(LZTR1):c.1965G>A (p.Met655Ile)

Gene: LZTR1 (leucine zipper like post translational regulator 1; plus strand). Cytogenetic location: 22q11.21.
Variant type: single nucleotide variant.
Coding change: c.1965G>A on transcript NM_006767.4 (MANE Select); coding-DNA position 1965, G replaced by A.
Protein change: p.Met655Ile; replaces methionine 655 with isoleucine.
Molecular consequence: missense variant.
Genome position (GRCh38, 1-based): chr22:20,995,768, G>A. VCF-style: chr22-20995768-G-A. GRCh37 (hg19) VCF-style: chr22-21350057-G-A.
Other names: short protein forms M655I.
Identifiers: ClinVar variation 2447742 (VCV002447742.2), dbSNP rs765770040, ClinGen allele CA10119176.
Genomic context (GRCh38, chr22:20,995,768, plus strand): 5'-CCCAGGCTGTACCTGCTCAGGGACCCTCCTACCCCCAGGCACATCTCTGATCCAGGACAT[G>A]AAGGCATACCTGGAGGGAGCGGGCGCGGAATTCTGTGACATCACTCTGTTGCTTGACGGG-3'
Protein context (NP_006758.2, residues 645-665): VDIGTSLIQD[Met655Ile]KAYLEGAGAE